The following is an entry in ClinVar:

ClinVar aggregate classification (germline): Uncertain significance (1 of 4 stars; one submission).

Conditions:
Developmental and epileptic encephalopathy, 11 (DEE11). Also called: Early infantile epileptic encephalopathy 11. Identifiers: Orphanet 1934, MedGen C3150987, MONDO:0013388, OMIM 613721.

Submission:

Neuberg Centre For Genomic Medicine, NCGM
Classification: Uncertain significance for Developmental and epileptic encephalopathy, 11. Review status: criteria provided, single submitter. Criteria: ACMG Guidelines, 2015. Collection method: clinical testing. Allele origin: germline. Inheritance: Autosomal dominant inheritance. Affected: yes.
Comment: The missense c.5801A>C (p.Lys1934Thr) variant in SCN2A gene has not been reported previously as a pathogenic variant nor as a benign variant, to our knowledge. The p.Lys1934Thr variant is novel (not in any individuals) in gnomAD Exomes and 1000 Genomes. The amino acid Lys at position 1934 is changed to a Thr changing protein sequence and it might alter its composition and physico-chemical properties. The variant is predicted to be damaging by SIFT and the residue is conserved across species. The amino acid change p.Lys1934Thr in SCN2A is predicted as conserved by GERP++ and PhyloP across 100 vertebrates. For these reasons, this variant has been classified as Uncertain Significance.

NM_001040142.2(SCN2A):c.5801A>C (p.Lys1934Thr)

Gene: SCN2A (sodium voltage-gated channel alpha subunit 2; plus strand). Cytogenetic location: 2q24.3.
Variant type: single nucleotide variant.
Coding change: c.5801A>C on transcript NM_001040142.2 (MANE Select); coding-DNA position 5801, A replaced by C.
Protein change: p.Lys1934Thr; replaces lysine 1934 with threonine.
Molecular consequence: missense variant.
Genome position (GRCh38, 1-based): chr2:165,389,607, A>C. VCF-style: chr2-165389607-A-C. GRCh37 (hg19) VCF-style: chr2-166246117-A-C.
Other names: c.5801A>C, p.Lys1934Thr (NM_001040143.2, NM_001371246.1, NM_001371247.1 and 1 more transcripts); short protein forms K1934T.
Identifiers: ClinVar variation 2585380 (VCV002585380.1), dbSNP rs2468160591, ClinGen allele CA349040441.